The following is an entry in ClinVar:

ClinVar aggregate classification (germline): Uncertain significance. Review status: criteria provided, multiple submitters, no conflicts (2 of 4 stars). 2 submissions from 2 submitters: Uncertain significance (2). Last evaluated 2026-07-01.

Conditions:
Hereditary cancer-predisposing syndrome. Also called: Hereditary Cancer Syndrome; Tumor predisposition; Hereditary neoplastic syndrome; Neoplastic Syndromes, Hereditary. Identifiers: Orphanet 140162, MedGen C0027672, MeSH D009386, MONDO:0015356.
Familial adenomatous polyposis 1 (FAP1). Also called: FAMILIAL ADENOMATOUS POLYPOSIS 1, ATTENUATED; POLYPOSIS, ADENOMATOUS INTESTINAL. Identifiers: MedGen C2713442, MONDO:0021056, OMIM 175100. Disease mechanism: loss of function.

Submissions (2):

Ambry Genetics
Classification: Uncertain significance for Hereditary cancer-predisposing syndrome. Last evaluated: 2026-07-01. Review status: criteria provided, single submitter. Criteria: Ambry Variant Classification Scheme 2023. Collection method: clinical testing. Allele origin: germline.
Comment: The p.D1484A variant (also known as c.4451A>C), located in coding exon 15 of the APC gene, results from an A to C substitution at nucleotide position 4451. The aspartic acid at codon 1484 is replaced by alanine, an amino acid with dissimilar properties. This amino acid position is conserved. In addition, in silico predictors for this gene do not accurately predict pathogenicity. Based on the available evidence, the clinical significance of this variant remains unclear.

Labcorp Genetics (formerly Invitae), Labcorp
Classification: Uncertain significance for Familial adenomatous polyposis 1. Last evaluated: 2018-06-06. Review status: criteria provided, single submitter. Criteria: Invitae Variant Classification Sherloc (09022015). Collection method: clinical testing. Allele origin: germline.
Comment: In summary, the available evidence is currently insufficient to determine the role of this variant in disease. Therefore, it has been classified as a Variant of Uncertain Significance. Algorithms developed to predict the effect of missense changes on protein structure and function are either unavailable or do not agree on the potential impact of this missense change (SIFT: "Deleterious"; PolyPhen-2: "Benign"; Align-GVGD: "Class C25"). This variant has not been reported in the literature in individuals with APC-related disease. This variant is not present in population databases (ExAC no frequency). This sequence change replaces aspartic acid with alanine at codon 1484 of the APC protein (p.Asp1484Ala). The aspartic acid residue is highly conserved and there is a moderate physicochemical difference between aspartic acid and alanine.

NM_000038.6(APC):c.4451A>C (p.Asp1484Ala)

Gene: APC (APC regulator of Wnt signaling pathway; plus strand). Cytogenetic location: 5q22.2.
Variant type: single nucleotide variant.
Coding change: c.4451A>C on transcript NM_000038.6 (MANE Select); coding-DNA position 4451, A replaced by C.
Protein change: p.Asp1484Ala; replaces aspartic acid 1484 with alanine.
Molecular consequence: missense variant.
Genome position (GRCh38, 1-based): chr5:112,840,045, A>C. VCF-style: chr5-112840045-A-C. GRCh37 (hg19) VCF-style: chr5-112175742-A-C.
Other names: c.4178A>C, p.Asp1393Ala (NM_001354902.2); c.4148A>C, p.Asp1383Ala (NM_001354903.2); c.4073A>C, p.Asp1358Ala (NM_001354904.2); c.3971A>C, p.Asp1324Ala (NM_001354905.2); c.3602A>C, p.Asp1201Ala (NM_001354906.2); c.4451A>C, p.Asp1484Ala (NM_001127510.3, NM_001354895.2); c.4397A>C, p.Asp1466Ala (NM_001127511.3); c.4505A>C, p.Asp1502Ala (NM_001354896.2); and 5 more; short protein forms D1466A, D1484A, D1425A, D1383A, D1459A, D1494A, D1502A, D1324A.
Identifiers: ClinVar variation 568453 (VCV000568453.11), dbSNP rs895694427, ClinGen allele CA16031072.
Genomic context (GRCh38, chr5:112,840,045, plus strand): 5'-AGAGTGGACCTAAGCAAGCTGCAGTAAATGCTGCAGTTCAGAGGGTCCAGGTTCTTCCAG[A>C]TGCTGATACTTTATTACATTTTGCCACGGAAAGTACTCCAGATGGATTTTCTTGTTCATC-3'
Protein context (NP_000029.2, residues 1474-1494): AAVQRVQVLP[Asp1484Ala]ADTLLHFATE